The following is an entry in ClinVar:

ClinVar aggregate classification (germline): Uncertain significance. Review status: criteria provided, multiple submitters, no conflicts (2 of 4 stars). 2 submissions from 2 submitters: Uncertain significance (2). Last evaluated 2025-04-03.

Conditions:
Cystic fibrosis (CF). Also called: MUCOVISCIDOSIS. Identifiers: Orphanet 586, MedGen C0010674, MONDO:0009061, OMIM 219700. Disease mechanism: loss of function.

Submissions (2):

Ambry Genetics
Classification: Uncertain significance for Cystic fibrosis. Last evaluated: 2025-04-03. Review status: criteria provided, single submitter. Criteria: Ambry Variant Classification Scheme 2023. Collection method: clinical testing. Allele origin: germline.
Comment: The p.L526P variant (also known as c.1577T>C), located in coding exon 11 of the CFTR gene, results from a T to C substitution at nucleotide position 1577. The leucine at codon 526 is replaced by proline, an amino acid with similar properties. This amino acid position is conserved. In addition, this alteration is predicted to be deleterious by in silico analysis. Since supporting evidence is limited at this time, the clinical significance of this alteration remains unclear.

Blueprint Genetics
Classification: Uncertain significance. Last evaluated: 2023-10-05. Review status: criteria provided, single submitter. Criteria: ACMG Guidelines, 2015. Collection method: clinical testing. Allele origin: germline.

NM_000492.4(CFTR):c.1577T>C (p.Leu526Pro)

Genes: CFTR (CF transmembrane conductance regulator; plus strand), CFTR-AS1 (CFTR antisense RNA 1; minus strand). Cytogenetic location: 7q31.2.
Variant type: single nucleotide variant.
Coding change: c.1577T>C on transcript NM_000492.4 (MANE Select); coding-DNA position 1577, T replaced by C.
Protein change: p.Leu526Pro; replaces leucine 526 with proline.
Molecular consequence: missense variant.
Genome position (GRCh38, 1-based): chr7:117,559,648, T>C. VCF-style: chr7-117559648-T-C. GRCh37 (hg19) VCF-style: chr7-117199702-T-C.
Other names: short protein forms L526P.
Identifiers: ClinVar variation 2453629 (VCV002453629.4), dbSNP rs2485066002, ClinGen allele CA368985027.